The following is an entry in ClinVar:

ClinVar aggregate classification (germline): Uncertain significance. Review status: criteria provided, multiple submitters, no conflicts (2 of 4 stars). 3 submissions from 3 submitters: Uncertain significance (3). Last evaluated 2025-12-15.

Allele frequency attached by ClinVar (database versions not stated): gnomAD 0.00002 and 0.00005; TOPMed 0.00002; gnomAD exomes 0.00014; ExAC 0.00017; 1000 Genomes Project 30x 0.00047; 1000 Genomes Project 0.00060.
gnomAD v4.1: 96 of 1,613,826 alleles (0.0059%); highest among the groups gnomAD compares: South Asian, 0.058%; no homozygotes.

Submissions (3):

Labcorp Genetics (formerly Invitae), Labcorp
Classification: Uncertain significance. Last evaluated: 2025-12-15. Review status: criteria provided, single submitter. Criteria: Invitae Variant Classification Sherloc (09022015). Collection method: clinical testing. Allele origin: germline.
Comment: This sequence change replaces arginine, which is basic and polar, with glutamine, which is neutral and polar, at codon 364 of the CYP7A1 protein (p.Arg364Gln). This variant is present in population databases (rs539485428, gnomAD 0.09%), and has an allele count higher than expected for a pathogenic variant. This variant has not been reported in the literature in individuals affected with CYP7A1-related conditions. ClinVar contains an entry for this variant (Variation ID: 594809). Invitae Evidence Modeling of protein sequence and biophysical properties (such as structural, functional, and spatial information, amino acid conservation, physicochemical variation, residue mobility, and thermodynamic stability) indicates that this missense variant is expected to disrupt CYP7A1 protein function with a positive predictive value of 80%. In summary, the available evidence is currently insufficient to determine the role of this variant in disease. Therefore, it has been classified as a Variant of Uncertain Significance.

Ambry Genetics
Classification: Uncertain significance. Last evaluated: 2025-09-27. Review status: criteria provided, single submitter. Criteria: Ambry Variant Classification Scheme 2023. Collection method: clinical testing. Allele origin: germline.

Eurofins Ntd Llc (ga)
Classification: Uncertain significance. Last evaluated: 2017-11-01. Review status: criteria provided, single submitter. Criteria: EGL Classification Definitions 2015. Collection method: clinical testing. Allele origin: germline. Observed: 1 variant allele, 1 heterozygote.

NM_000780.4(CYP7A1):c.1091G>A (p.Arg364Gln)

Genes: CYP7A1 (cytochrome P450 family 7 subfamily A member 1; minus strand), LOC126860400 (BRD4-independent group 4 enhancer GRCh37_chr8:59404317-59405516; plus strand). Cytogenetic location: 8q12.1.
Variant type: single nucleotide variant.
Coding change: c.1091G>A on transcript NM_000780.4 (MANE Select); coding-DNA position 1091, G replaced by A.
Protein change: p.Arg364Gln; replaces arginine 364 with glutamine.
Molecular consequence: missense variant.
Genome position (GRCh38, 1-based): chr8:58,492,477, C>T on the plus strand (G>A on the coding strand, the complement: CYP7A1 is on the minus strand). VCF-style: chr8-58492477-C-T. GRCh37 (hg19) VCF-style: chr8-59405036-C-T.
Other names: c.1091G>A (NM_000780.3); short protein forms R364Q.
Identifiers: ClinVar variation 594809 (VCV000594809.12), dbSNP rs539485428, ClinGen allele CA4756655.